The following is an entry in ClinVar:

ClinVar aggregate classification (germline): Uncertain significance (1 of 4 stars; one submission).

Conditions:
Hereditary cancer-predisposing syndrome. Also called: Neoplastic Syndromes, Hereditary; Tumor predisposition; Hereditary Cancer Syndrome; Hereditary neoplastic syndrome. Identifiers: Orphanet 140162, MedGen C0027672, MeSH D009386, MONDO:0015356.

Submission:

Ambry Genetics
Classification: Uncertain significance for Hereditary cancer-predisposing syndrome. Last evaluated: 2026-02-20. Review status: criteria provided, single submitter. Criteria: Ambry Variant Classification Scheme 2023. Collection method: clinical testing. Allele origin: germline.
Comment: The p.D1084Y variant (also known as c.3250G>T), located in coding exon 15 of the APC gene, results from a G to T substitution at nucleotide position 3250. The aspartic acid at codon 1084 is replaced by tyrosine, an amino acid with highly dissimilar properties. This amino acid position is conserved. In addition, in silico predictors for this gene do not accurately predict pathogenicity. Based on the available evidence, the clinical significance of this variant remains unclear.

NM_000038.6(APC):c.3250G>T (p.Asp1084Tyr)

Gene: APC (APC regulator of Wnt signaling pathway; plus strand). Cytogenetic location: 5q22.2.
Variant type: single nucleotide variant.
Coding change: c.3250G>T on transcript NM_000038.6 (MANE Select); coding-DNA position 3250, G replaced by T.
Protein change: p.Asp1084Tyr; replaces aspartic acid 1084 with tyrosine.
Molecular consequence: missense variant. On other transcripts: non-coding transcript variant (2).
Genome position (GRCh38, 1-based): chr5:112,838,844, G>T. VCF-style: chr5-112838844-G-T. GRCh37 (hg19) VCF-style: chr5-112174541-G-T.
Other names: c.3250G>T, p.Asp1084Tyr (NM_001127510.3, NM_001354895.2, NM_001407450.1); c.3196G>T, p.Asp1066Tyr (NM_001127511.3); c.3304G>T, p.Asp1102Tyr (NM_001354896.2, NM_001407447.1, NM_001407448.1 and 1 more transcripts); c.3280G>T, p.Asp1094Tyr (NM_001354897.2); c.3175G>T, p.Asp1059Tyr (NM_001354898.2); c.3166G>T, p.Asp1056Tyr (NM_001354899.2); c.3127G>T, p.Asp1043Tyr (NM_001354900.2); c.3073G>T, p.Asp1025Tyr (NM_001354901.2, NM_001407453.1); and 11 more; short protein forms D1043Y, D1059Y, D801Y, D924Y, D958Y, D983Y, D993Y, D1001Y.
Identifiers: ClinVar variation 4838190 (VCV004838190.1).